The following is an entry in ClinVar:

NM_001372.4(DNAH9):c.5602C>T (p.Pro1868Ser)

Gene: DNAH9 (dynein axonemal heavy chain 9; plus strand). Cytogenetic location: 17p12.
Variant type: single nucleotide variant.
Coding change: c.5602C>T on transcript NM_001372.4 (MANE Select); coding-DNA position 5602, C replaced by T.
Protein change: p.Pro1868Ser; replaces proline 1868 with serine.
Molecular consequence: missense variant.
Genome position (GRCh38, 1-based): chr17:11,719,383, C>T. VCF-style: chr17-11719383-C-T. GRCh37 (hg19) VCF-style: chr17-11622700-C-T.
Other names: short protein forms P1868S.
Identifiers: ClinVar variation 1496206 (VCV001496206.7), dbSNP rs145930162, ClinGen allele CA8396049.

ClinVar aggregate classification (germline): Uncertain significance. Review status: criteria provided, multiple submitters, no conflicts (2 of 4 stars). 2 submissions from 2 submitters: Uncertain significance (2). Last evaluated 2022-06-27.

Conditions:
Primary ciliary dyskinesia. Also called: Ciliary dyskinesia. Identifiers: Orphanet 244, MedGen C0008780, MONDO:0016575, HP:0012265.

Allele frequency attached by ClinVar (database versions not stated): gnomAD 0.00001; gnomAD exomes 0.00001; ExAC 0.00002; TOPMed 0.00002; ESP Exome Variant Server 0.00008.
gnomAD v4.1: 24 of 1,613,986 alleles (0.0015%); highest among the groups gnomAD compares: Non-Finnish European, 0.0018%; no homozygotes.

Submissions (2):

Labcorp Genetics (formerly Invitae), Labcorp
Classification: Uncertain significance. Last evaluated: 2022-06-27. Review status: criteria provided, single submitter. Criteria: Invitae Variant Classification Sherloc (09022015). Collection method: clinical testing. Allele origin: germline.
Comment: This sequence change replaces proline, which is neutral and non-polar, with serine, which is neutral and polar, at codon 1868 of the DNAH9 protein (p.Pro1868Ser). This variant is present in population databases (rs145930162, gnomAD 0.009%). This variant has not been reported in the literature in individuals affected with DNAH9-related conditions. Algorithms developed to predict the effect of missense changes on protein structure and function are either unavailable or do not agree on the potential impact of this missense change (SIFT: "Tolerated"; PolyPhen-2: "Probably Damaging"; Align-GVGD: "Class C0"). In summary, the available evidence is currently insufficient to determine the role of this variant in disease. Therefore, it has been classified as a Variant of Uncertain Significance.

UNC Molecular Genetics  Laboratory, University of North Carolina at Chapel Hill
Classification: Uncertain significance for Primary ciliary dyskinesia. Last evaluated: 2022-02-03. Review status: criteria provided, single submitter. Criteria: ACMG Guidelines, 2015. Collection method: clinical testing. Allele origin: germline. Observed: 1 heterozygote.